The following is an entry in ClinVar:

NM_005431.2(XRCC2):c.759T>A (p.Phe253Leu)

Gene: XRCC2 (X-ray repair cross complementing 2; minus strand). Cytogenetic location: 7q36.1.
Variant type: single nucleotide variant.
Coding change: c.759T>A on transcript NM_005431.2 (MANE Select); coding-DNA position 759, T replaced by A.
Protein change: p.Phe253Leu; replaces phenylalanine 253 with leucine.
Molecular consequence: missense variant.
Genome position (GRCh38, 1-based): chr7:152,648,726, A>T on the plus strand (T>A on the coding strand, the complement: XRCC2 is on the minus strand). VCF-style: chr7-152648726-A-T. GRCh37 (hg19) VCF-style: chr7-152345811-A-T.
Other names: short protein forms F253L.
Identifiers: ClinVar variation 2447656 (VCV002447656.2), dbSNP rs2485880313, ClinGen allele CA370198001.

ClinVar aggregate classification (germline): Uncertain significance (1 of 4 stars; one submission).

Conditions:
Hereditary cancer-predisposing syndrome. Also called: Neoplastic Syndromes, Hereditary; Hereditary Cancer Syndrome; Tumor predisposition; Hereditary neoplastic syndrome. Identifiers: Orphanet 140162, MedGen C0027672, MeSH D009386, MONDO:0015356.

Submission:

Ambry Genetics
Classification: Uncertain significance for Hereditary cancer-predisposing syndrome. Last evaluated: 2023-01-09. Review status: criteria provided, single submitter. Criteria: Ambry Variant Classification Scheme 2023. Collection method: clinical testing. Allele origin: germline.
Comment: The p.F253L variant (also known as c.759T>A), located in coding exon 3 of the XRCC2 gene, results from a T to A substitution at nucleotide position 759. The phenylalanine at codon 253 is replaced by leucine, an amino acid with highly similar properties. This amino acid position is conserved. In addition, this alteration is predicted to be tolerated by in silico analysis. Since supporting evidence is limited at this time, the clinical significance of this alteration remains unclear.